The following is an entry in ClinVar:

ClinVar aggregate classification (germline): Uncertain significance (1 of 4 stars; one submission).

Submission:

GeneDx
Classification: Uncertain significance. Last evaluated: 2024-04-08. Review status: criteria provided, single submitter. Criteria: GeneDx Variant Classification Process June 2021. Collection method: clinical testing. Allele origin: germline. Affected: yes.
Comment: Canonical splice site variant in a gene for which loss-of-function is not an established mechanism of disease; Not observed at significant frequency in large population cohorts (gnomAD); Has not been previously published as pathogenic or benign to our knowledge

NM_002267.4(KPNA3):c.469+1G>A

Gene: KPNA3 (karyopherin subunit alpha 3; minus strand). Cytogenetic location: 13q14.2.
Variant type: single nucleotide variant.
Coding change: c.469+1G>A on transcript NM_002267.4 (MANE Select); the canonical splice donor site of the intron after coding-DNA position 469, G replaced by A.
Molecular consequence: splice donor variant.
Genome position (GRCh38, 1-based): chr13:49,725,415, C>T on the plus strand (G>A on the coding strand, the complement: KPNA3 is on the minus strand). VCF-style: chr13-49725415-C-T. GRCh37 (hg19) VCF-style: chr13-50299551-C-T.
Identifiers: ClinVar variation 3371463 (VCV003371463.1).